The following is an entry in ClinVar:

ClinVar aggregate classification (germline): Uncertain significance (1 of 4 stars; one submission).

Conditions:
Cystic fibrosis (CF). Also called: MUCOVISCIDOSIS. Identifiers: Orphanet 586, MedGen C0010674, MONDO:0009061, OMIM 219700. Disease mechanism: loss of function.

Submission:

Ambry Genetics
Classification: Uncertain significance for Cystic fibrosis. Last evaluated: 2026-06-01. Review status: criteria provided, single submitter. Criteria: Ambry Variant Classification Scheme 2023. Collection method: clinical testing. Allele origin: germline.
Comment: The p.F1294L variant (also known as c.3880T>C), located in coding exon 24 of the CFTR gene, results from a T to C substitution at nucleotide position 3880. The phenylalanine at codon 1294 is replaced by leucine, an amino acid with highly similar properties. This amino acid position is conserved. In addition, the in silico prediction for this alteration is inconclusive. Based on the available evidence, the clinical significance of this variant remains unclear.

NM_000492.4(CFTR):c.3880T>C (p.Phe1294Leu)

Gene: CFTR (CF transmembrane conductance regulator; plus strand). Cytogenetic location: 7q31.2.
Variant type: single nucleotide variant.
Coding change: c.3880T>C on transcript NM_000492.4 (MANE Select); coding-DNA position 3880, T replaced by C.
Protein change: p.Phe1294Leu; replaces phenylalanine 1294 with leucine.
Molecular consequence: missense variant.
Genome position (GRCh38, 1-based): chr7:117,652,848, T>C. VCF-style: chr7-117652848-T-C. GRCh37 (hg19) VCF-style: chr7-117292902-T-C.
Other names: short protein forms F1294L.
Identifiers: ClinVar variation 4868805 (VCV004868805.1).
Genomic context (GRCh38, chr7:117,652,848, plus strand): 5'-TAAAAAGTTATTTAAGTTATTCATACTTTCTTCTTCTTTTCTTTTTTGCTATAGAAAGTA[T>C]TTATTTTTTCTGGAACATTTAGAAAAAACTTGGATCCCTATGAACAGTGGAGTGATCAAG-3'
Protein context (NP_000483.3, residues 1284-1304): KAFGVIPQKV[Phe1294Leu]IFSGTFRKNL